The following is an entry in ClinVar:

NM_177438.3(DICER1):c.5455A>G (p.Ile1819Val)

Gene: DICER1 (dicer 1, ribonuclease III; minus strand). Cytogenetic location: 14q32.13.
Variant type: single nucleotide variant.
Coding change: c.5455A>G on transcript NM_177438.3 (MANE Select); coding-DNA position 5455, A replaced by G.
Protein change: p.Ile1819Val; replaces isoleucine 1819 with valine.
Molecular consequence: missense variant. On other transcripts: non-coding transcript variant (6), intron variant (1).
Genome position (GRCh38, 1-based): chr14:95,091,275, T>C on the plus strand (A>G on the coding strand, the complement: DICER1 is on the minus strand). VCF-style: chr14-95091275-T-C. GRCh37 (hg19) VCF-style: chr14-95557612-T-C.
Other names: c.5455A>G, p.Ile1819Val (NM_001271282.3, NM_001291628.2, NM_001395677.1 and 8 more transcripts); c.5173A>G, p.Ile1725Val (NM_001395686.1); c.5050A>G, p.Ile1684Val (NM_001395687.1, NM_001395688.1, NM_001395689.1 and 1 more transcripts); c.4888A>G, p.Ile1630Val (NM_001395691.1); c.3772A>G, p.Ile1258Val (NM_001395697.1); c.5365-166A>G (NM_001195573.1); short protein forms I1630V, I1684V, I1725V, I1258V, I1819V.
Identifiers: ClinVar variation 1747632 (VCV001747632.2), dbSNP rs2139777622, ClinGen allele CA390864618.

ClinVar aggregate classification (germline): Uncertain significance (1 of 4 stars; one submission).

Conditions:
Hereditary cancer-predisposing syndrome. Also called: Hereditary Cancer Syndrome; Neoplastic Syndromes, Hereditary; Tumor predisposition; Hereditary neoplastic syndrome. Identifiers: Orphanet 140162, MedGen C0027672, MeSH D009386, MONDO:0015356.

Submission:

Ambry Genetics
Classification: Uncertain significance for Hereditary cancer-predisposing syndrome. Last evaluated: 2022-02-21. Review status: criteria provided, single submitter. Criteria: Ambry Variant Classification Scheme 2023. Collection method: clinical testing. Allele origin: germline.
Comment: The p.I1819V variant (also known as c.5455A>G), located in coding exon 24 of the DICER1 gene, results from an A to G substitution at nucleotide position 5455. The isoleucine at codon 1819 is replaced by valine, an amino acid with highly similar properties. This amino acid position is conserved. In addition, this alteration is predicted to be tolerated by in silico analysis. Since supporting evidence is limited at this time, the clinical significance of this alteration remains unclear.